The following is an entry in ClinVar:

NM_021930.6(RINT1):c.2321A>G (p.Gln774Arg)

Genes: EFCAB10 (EF-hand calcium binding domain 10; minus strand), RINT1 (RAD50 interactor 1; plus strand). Cytogenetic location: 7q22.3.
Variant type: single nucleotide variant.
Coding change: c.2321A>G on transcript NM_021930.6 (MANE Select); coding-DNA position 2321, A replaced by G.
Protein change: p.Gln774Arg; replaces glutamine 774 with arginine.
Molecular consequence: missense variant. On other transcripts: 3 prime UTR variant (2), non-coding transcript variant (1), intron variant (3).
Genome position (GRCh38, 1-based): chr7:105,567,253, A>G. VCF-style: chr7-105567253-A-G. GRCh37 (hg19) VCF-style: chr7-105207700-A-G.
Other names: c.*201T>C (NM_001355527.2, NM_001355529.2); c.2087A>G, p.Gln696Arg (NM_001346599.2); c.1298A>G, p.Gln433Arg (NM_001346600.2, NM_001346603.2); c.1397A>G, p.Gln466Arg (NM_001346601.2); c.360-1806T>C (NM_001355531.2); c.383+214T>C (NM_001355526.2, NM_001355530.2); short protein forms Q696R, Q433R, Q466R, Q774R.
Identifiers: ClinVar variation 2807022 (VCV002807022.5), dbSNP rs1479143379, ClinGen allele CA368815631.

ClinVar aggregate classification (germline): Uncertain significance. Review status: criteria provided, multiple submitters, no conflicts (2 of 4 stars). 2 submissions from 2 submitters: Uncertain significance (2). Last evaluated 2025-12-02.

Allele frequency attached by ClinVar (database versions not stated): gnomAD 0.00001.
gnomAD v4.1: 1 of 1,613,026 alleles (0.000062%); highest among the groups gnomAD compares: Non-Finnish European, 0.000085%; no homozygotes.

Submissions (2):

Ambry Genetics
Classification: Uncertain significance. Last evaluated: 2025-12-02. Review status: criteria provided, single submitter. Criteria: Ambry Variant Classification Scheme 2023. Collection method: clinical testing. Allele origin: germline.
Comment: The p.Q774R variant (also known as c.2321A>G), located in coding exon 15 of the RINT1 gene, results from an A to G substitution at nucleotide position 2321. The glutamine at codon 774 is replaced by arginine, an amino acid with highly similar properties. This amino acid position is conserved. In addition, this alteration is predicted to be tolerated by in silico analysis. Since supporting evidence is limited at this time, the clinical significance of this alteration remains unclear.

Labcorp Genetics (formerly Invitae), Labcorp
Classification: Uncertain significance. Last evaluated: 2023-06-02. Review status: criteria provided, single submitter. Criteria: Invitae Variant Classification Sherloc (09022015). Collection method: clinical testing. Allele origin: germline.
Comment: This variant is present in population databases (no rsID available, gnomAD 0.007%). This sequence change replaces glutamine, which is neutral and polar, with arginine, which is basic and polar, at codon 774 of the RINT1 protein (p.Gln774Arg). This variant has not been reported in the literature in individuals affected with RINT1-related conditions. In summary, the available evidence is currently insufficient to determine the role of this variant in disease. Therefore, it has been classified as a Variant of Uncertain Significance. An algorithm developed to predict the effect of missense changes on protein structure and function (PolyPhen-2) suggests that this variant is likely to be tolerated.